The following is an entry in ClinVar:

ClinVar aggregate classification (germline): Uncertain significance (1 of 4 stars; one submission).

Conditions:
Long QT syndrome (LQTS). Identifiers: MedGen C0023976, MeSH D008133, MONDO:0002442. Disease mechanism: loss of function. Inheritance: Various modes of inheritance.

Allele frequency attached by ClinVar (database versions not stated): TOPMed below 0.00001.
gnomAD v4.1: 5 of 1,613,692 alleles (0.00031%); highest among the groups gnomAD compares: Admixed American, 0.0083%; no homozygotes.

Submission:

Labcorp Genetics (formerly Invitae), Labcorp
Classification: Uncertain significance for Long QT syndrome. Last evaluated: 2026-01-11. Review status: criteria provided, single submitter. Criteria: Invitae Variant Classification Sherloc (09022015). Collection method: clinical testing. Allele origin: germline.
Comment: This sequence change replaces phenylalanine, which is neutral and non-polar, with leucine, which is neutral and non-polar, at codon 1292 of the AKAP9 protein (p.Phe1292Leu). This variant is not present in population databases (gnomAD no frequency). This variant has not been reported in the literature in individuals affected with AKAP9-related conditions. ClinVar contains an entry for this variant (Variation ID: 360823). An algorithm developed to predict the effect of missense changes on protein structure and function (PolyPhen-2) suggests that this variant is likely to be tolerated. In summary, the available evidence is currently insufficient to determine the role of this variant in disease. Therefore, it has been classified as a Variant of Uncertain Significance.

NM_005751.5(AKAP9):c.3874T>C (p.Phe1292Leu)

Gene: AKAP9 (A-kinase anchoring protein 9; plus strand). Cytogenetic location: 7q21.2.
Variant type: single nucleotide variant.
Coding change: c.3874T>C on transcript NM_005751.5 (MANE Select); coding-DNA position 3874, T replaced by C.
Protein change: p.Phe1292Leu; replaces phenylalanine 1292 with leucine.
Molecular consequence: missense variant.
Genome position (GRCh38, 1-based): chr7:92,022,274, T>C. VCF-style: chr7-92022274-T-C. GRCh37 (hg19) VCF-style: chr7-91651588-T-C.
Other names: c.3874T>C, p.Phe1292Leu (NM_147185.3); short protein forms F1292L.
Identifiers: ClinVar variation 360823 (VCV000360823.10), dbSNP rs886062472, ClinGen allele CA10626496.